The following is an entry in ClinVar:

ClinVar aggregate classification (germline): Uncertain significance. Review status: criteria provided, multiple submitters, no conflicts (2 of 4 stars). 3 submissions from 3 submitters: Uncertain significance (2). 1 of the submissions does not count toward it. Last evaluated 2022-12-13.

Conditions:
Walker-Warburg congenital muscular dystrophy. Also called: Muscular dystrophy-dystroglycanopathy, type A; Walker-Warburg syndrome. Identifiers: Orphanet 899, MedGen C0265221, MONDO:0000171.

Allele frequency attached by ClinVar (database versions not stated): TOPMed below 0.00001; ExAC 0.00001; gnomAD exomes 0.00002.
gnomAD v4.1: 4 of 1,614,106 alleles (0.00025%); highest among the groups gnomAD compares: East Asian, 0.0089%; no homozygotes.

Submissions (3):

Revvity Omics, Revvity
Classification: Uncertain significance. Last evaluated: 2022-12-13. Review status: criteria provided, single submitter. Criteria: ACMG Guidelines, 2015. Collection method: clinical testing. Allele origin: germline.

Labcorp Genetics (formerly Invitae), Labcorp
Classification: Uncertain significance for Walker-Warburg congenital muscular dystrophy. Last evaluated: 2022-04-12. Review status: criteria provided, single submitter. Criteria: Invitae Variant Classification Sherloc (09022015). Collection method: clinical testing. Allele origin: germline.
Comment: This sequence change replaces lysine, which is basic and polar, with arginine, which is basic and polar, at codon 192 of the FKTN protein (p.Lys192Arg). This variant is present in population databases (rs763737649, gnomAD 0.02%). This variant has not been reported in the literature in individuals affected with FKTN-related conditions. ClinVar contains an entry for this variant (Variation ID: 1019675). Algorithms developed to predict the effect of missense changes on protein structure and function output the following: SIFT: "Tolerated"; PolyPhen-2: "Benign"; Align-GVGD: "Class C0". The arginine amino acid residue is found in multiple mammalian species, which suggests that this missense change does not adversely affect protein function. In summary, the available evidence is currently insufficient to determine the role of this variant in disease. Therefore, it has been classified as a Variant of Uncertain Significance.

Natera, Inc.
Classification: Uncertain significance for Walker-Warburg congenital muscular dystrophy. Last evaluated: 2020-06-15. Review status: no assertion criteria provided. Collection method: clinical testing. Allele origin: germline. Not counted in ClinVar's aggregate classification.

NM_001079802.2(FKTN):c.575A>G (p.Lys192Arg)

Gene: FKTN (fukutin; plus strand). Cytogenetic location: 9q31.2.
Variant type: single nucleotide variant.
Coding change: c.575A>G on transcript NM_001079802.2 (MANE Select); coding-DNA position 575, A replaced by G.
Protein change: p.Lys192Arg; replaces lysine 192 with arginine.
Molecular consequence: missense variant. On other transcripts: non-coding transcript variant (2).
Genome position (GRCh38, 1-based): chr9:105,604,420, A>G. VCF-style: chr9-105604420-A-G. GRCh37 (hg19) VCF-style: chr9-108366701-A-G.
Other names: c.575A>G, p.Lys192Arg (NM_001198963.2, NM_001351496.2, NM_001351498.2 and 1 more transcripts); c.506A>G, p.Lys169Arg (NM_001351497.2); c.179A>G, p.Lys60Arg (NM_001351499.2, NM_001351500.2, NM_001351501.2 and 1 more transcripts); c.575A>G (NM_001079802.1); short protein forms K169R, K192R, K60R.
Identifiers: ClinVar variation 1019675 (VCV001019675.9), dbSNP rs763737649, ClinGen allele CA5170439.